The following is an entry in ClinVar:

ClinVar aggregate classification (germline): Conflicting classifications of pathogenicity. Review status: criteria provided, conflicting classifications (1 of 4 stars). 7 submissions from 7 submitters: Uncertain significance (1); Benign (2); Likely benign (3). 1 of the submissions does not count toward it. Last evaluated 2026-04-01.

Conditions:
LRRK2-related disorder. Also called: LRRK2-related condition.
Autosomal dominant Parkinson disease 8. Also called: LRRK2-Related Parkinson Disease; Parkinson disease 8; Parkinson disease 8, susceptibility to. Identifiers: Orphanet 411602, MedGen C1846862, MONDO:0011764, OMIM 607060.

Allele frequency attached by ClinVar (database versions not stated): 1000 Genomes Project 0.00080; 1000 Genomes Project 30x 0.00094; gnomAD exomes 0.00125 and 0.00188; ExAC 0.00129; ESP Exome Variant Server 0.00131; TOPMed 0.00135; gnomAD 0.00138 and 0.00140.
gnomAD v4.1: 2,922 of 1,602,432 alleles (0.18%); highest among the groups gnomAD compares: Non-Finnish European, 0.23%; 4 homozygotes.

Submissions (7):

CeGaT Center for Human Genetics Tuebingen
Classification: Benign. Last evaluated: 2026-04-01. Review status: criteria provided, single submitter. Criteria: CeGaT Center For Human Genetics Tuebingen Variant Classification Criteria Version 2. Collection method: clinical testing. Allele origin: germline. Affected: yes. Observed: 6 variant alleles.
Comment: LRRK2: BP4, BS1, BS2

Labcorp Genetics (formerly Invitae), Labcorp
Classification: Likely benign for Autosomal dominant Parkinson disease 8. Last evaluated: 2025-12-22. Review status: criteria provided, single submitter. Criteria: Invitae Variant Classification Sherloc (09022015). Collection method: clinical testing. Allele origin: germline.

PreventionGenetics, part of Exact Sciences
Classification: Likely benign for LRRK2-related condition. Last evaluated: 2025-06-03. Review status: criteria provided, single submitter. Criteria: ACMG Guidelines, 2015. Collection method: clinical testing. Allele origin: germline.
Comment: This variant is classified as likely benign based on ACMG/AMP sequence variant interpretation guidelines (Richards et al. 2015 PMID: 25741868, with internal and published modifications).

Athena Diagnostics
Classification: Benign. Last evaluated: 2024-04-30. Review status: criteria provided, single submitter. Criteria: Athena Diagnostics Criteria. Collection method: clinical testing. Allele origin: unknown.

GeneDx
Classification: Uncertain significance. Last evaluated: 2022-08-19. Review status: criteria provided, single submitter. Criteria: GeneDx Variant Classification Process June 2021. Collection method: clinical testing. Allele origin: germline. Affected: yes.
Comment: Reported previously in individuals with Parkinson disease, however L119P was also seen in control subjects (Jasinska-Myga et al., 2010; Ross et al., 2011; Benitez et al., 2016); In silico analysis supports that this missense variant has a deleterious effect on protein structure/function; This variant is associated with the following publications: (PMID: 28130640, 25466404, 31980526, 33836114, 31996268, 29369408, 27393345, 32557143, 28842327, 20721913, 25174650, 27294386, 21885347, 27094865, 34542912, Kalogeropulou2022[functionalstudy], 33454605)

Illumina Laboratory Services, Illumina
Classification: Likely benign for Autosomal dominant Parkinson disease 8. Last evaluated: 2017-04-27. Review status: criteria provided, single submitter. Criteria: ICSL Variant Classification Criteria 13 December 2019. Collection method: clinical testing. Allele origin: germline.
Comment: This variant was observed as part of a predisposition screen in an ostensibly healthy population. A literature search was performed for the gene, cDNA change, and amino acid change (where applicable). Publications were found based on this search. The evidence from the literature, in combination with allele frequency data from public databases where available, was sufficient to determine this variant is unlikely to cause disease. Therefore, this variant is classified as likely benign.

GeneReviews
No classification provided. Condition: Autosomal dominant Parkinson disease 8. Review status: no classification provided. Collection method: literature only. Allele origin: unknown. Not counted in ClinVar's aggregate classification.

Literature cited by the submitters: PubMed 27393345 (cited by Athena Diagnostics); PubMed 37750340 (cited by Athena Diagnostics); PubMed 25466404 (cited by Athena Diagnostics); PubMed 32557143 (cited by Athena Diagnostics); PubMed 37256495 (cited by Athena Diagnostics); PubMed 20721913 (cited by Athena Diagnostics and Illumina Laboratory Services, Illumina); PubMed 19405094 (cited by Athena Diagnostics and Illumina Laboratory Services, Illumina); PubMed 34542912 (cited by Athena Diagnostics); PubMed 33836114 (cited by Athena Diagnostics); PubMed 35950872 (cited by Athena Diagnostics); PubMed 27094865 (cited by Athena Diagnostics); PubMed 38137339 (cited by Athena Diagnostics); PubMed 21885347 (cited by Athena Diagnostics); PubMed 27294386 (cited by Athena Diagnostics); PubMed 35768426 (cited by Athena Diagnostics); PubMed 38191580 (cited by Athena Diagnostics); PubMed 28130640 (cited by Athena Diagnostics); PubMed 16333314 (cited by Athena Diagnostics); PubMed 16172858 (cited by Athena Diagnostics); PubMed 27798102 (cited by Athena Diagnostics); PubMed 15541309 (cited by Athena Diagnostics); PubMed 19472409 (cited by Illumina Laboratory Services, Illumina); PubMed 20301387 (cited by GeneReviews); NCBI Bookshelf NBK1208 (cited by GeneReviews).

NM_198578.4(LRRK2):c.356T>C (p.Leu119Pro)

Gene: LRRK2 (leucine rich repeat kinase 2; plus strand). Cytogenetic location: 12q12.
Variant type: single nucleotide variant.
Coding change: c.356T>C on transcript NM_198578.4 (MANE Select); coding-DNA position 356, T replaced by C.
Protein change: p.Leu119Pro; replaces leucine 119 with proline.
Molecular consequence: missense variant.
Genome position (GRCh38, 1-based): chr12:40,235,634, T>C. VCF-style: chr12-40235634-T-C. GRCh37 (hg19) VCF-style: chr12-40629436-T-C.
Other names: short protein forms L119P.
Identifiers: ClinVar variation 39167 (VCV000039167.51), dbSNP rs33995463, ClinGen allele CA343545.